The following is an entry in ClinVar:

ClinVar aggregate classification (germline): Likely pathogenic (1 of 4 stars; one submission).

Conditions:
Dilated cardiomyopathy 1G (CMD1G). Identifiers: Orphanet 154, MedGen C1858763, MONDO:0011400, OMIM 604145.
Autosomal recessive limb-girdle muscular dystrophy type 2J (LGMDR10). Also called: Limb-girdle muscular dystrophy, type 2J; MUSCULAR DYSTROPHY, LIMB-GIRDLE, AUTOSOMAL RECESSIVE 10. Identifiers: Orphanet 140922, MedGen C1837342, MONDO:0012127, OMIM 608807.

Submission:

Labcorp Genetics (formerly Invitae), Labcorp
Classification: Likely pathogenic for Dilated cardiomyopathy 1G; Autosomal recessive limb-girdle muscular dystrophy type 2J. Last evaluated: 2024-07-16. Review status: criteria provided, single submitter. Criteria: Invitae Variant Classification Sherloc (09022015). Collection method: clinical testing. Allele origin: germline.
Comment: This sequence change creates a premature translational stop signal (p.Val24859Tyrfs*10) in the TTN gene. While this is not anticipated to result in nonsense mediated decay, it is expected to create a truncated TTN protein. This variant is not present in population databases (gnomAD no frequency). This variant has not been reported in the literature in individuals affected with TTN-related conditions. This variant is located in the A band of TTN (PMID: 25589632). Truncating variants in this region are significantly overrepresented in patients affected with dilated cardiomyopathy (PMID: 25589632). Truncating variants in this region have also been reported in individuals affected with autosomal recessive centronuclear myopathy (PMID: 23975875). In summary, the currently available evidence indicates that the variant is pathogenic, but additional data are needed to prove that conclusively. Therefore, this variant has been classified as Likely Pathogenic.

Literature cited by the submitters: PubMed 25589632; PubMed 23975875.

NM_001267550.2(TTN):c.74575del (p.Val24859fs)

Genes: TTN-AS1 (TTN antisense RNA 1; plus strand), TTN (titin; minus strand). Cytogenetic location: 2q31.2.
Variant type: Deletion.
Coding change: c.74575del on transcript NM_001267550.2 (MANE Select); coding-DNA position 74575, one base deleted (G; older notation c.74575delG).
Protein change: p.Val24859fs; shifts the reading frame from valine 24859.
Molecular consequence: frameshift variant.
Genome position (GRCh38, 1-based): chr2:178,571,557, C deleted on the plus strand (G on the coding strand, the reverse complement: TTN is on the minus strand). VCF-style (leftmost placement, unchanged base first): chr2-178571556-AC-A. GRCh37 (hg19) VCF-style: chr2-179436283-AC-A.
Other names: c.69652del, p.Val23218fs (NM_001256850.1); c.47380del, p.Val15794fs (NM_003319.4); c.66871del, p.Val22291fs (NM_133378.4); c.47755del, p.Val15919fs (NM_133432.3); c.47956del, p.Val15986fs (NM_133437.4); short protein forms V15794fs, V15919fs, V15986fs, V22291fs, V23218fs, V24859fs.
Identifiers: ClinVar variation 3757259 (VCV003757259.2).